The following is an entry in ClinVar:

ClinVar aggregate classification (germline): Pathogenic (1 of 4 stars; one submission).

Conditions:
Cardiomyopathy (CMYO). Also called: Cardiomyopathies. Identifiers: Orphanet 167848, MedGen C0878544, MONDO:0004994, HP:0001638. Inheritance: Various modes of inheritance.

Submission:

Color Diagnostics, LLC DBA Color Health
Classification: Pathogenic for Cardiomyopathy. Last evaluated: 2025-06-18. Review status: criteria provided, single submitter. Criteria: ACMG Guidelines, 2015. Collection method: clinical testing. Allele origin: germline.
Comment: This variant inserts 1 nucleotide in exon 3 of the PKP2 gene, creating a frameshift and premature translation stop signal. This variant is expected to result in an absent or non-functional protein product. To our knowledge, this variant has not been reported in individuals affected with PKP2-related disorders in the literature. This variant has not been identified in the general population by the Genome Aggregation Database (gnomAD). Loss of PKP2 function is a known mechanism of disease. Based on the available evidence, this variant is classified as Pathogenic.

NM_001005242.3(PKP2):c.821dup (p.Val275fs)

Gene: PKP2 (plakophilin 2; minus strand). Cytogenetic location: 12p11.21.
Variant type: Duplication.
Coding change: c.821dup on transcript NM_001005242.3 (MANE Select); coding-DNA position 821, one base duplicated (T; older notation c.821dupT).
Protein change: p.Val275fs; shifts the reading frame from valine 275.
Molecular consequence: frameshift variant.
Genome position (GRCh38, 1-based): chr12:32,878,059, A duplicated on the plus strand (T on the coding strand, the reverse complement: PKP2 is on the minus strand). VCF-style (leftmost placement, unchanged base first): chr12-32878058-C-CA. GRCh37 (hg19) VCF-style: chr12-33030992-C-CA.
Other names: c.821dup, p.Val275fs (NM_001407155.1, NM_001407156.1, NM_001407157.1 and 2 more transcripts); c.494dup, p.Val166fs (NM_001407158.1, NM_001407159.1, NM_001407160.1 and 1 more transcripts); short protein forms V166fs, V275fs.
Identifiers: ClinVar variation 4757111 (VCV004757111.1).